The following is an entry in ClinVar:

ClinVar aggregate classification (germline): Uncertain significance (1 of 4 stars; one submission).

Submission:

Labcorp Genetics (formerly Invitae), Labcorp
Classification: Uncertain significance. Last evaluated: 2023-02-22. Review status: criteria provided, single submitter. Criteria: Invitae Variant Classification Sherloc (09022015). Collection method: clinical testing. Allele origin: germline.
Comment: Variants that disrupt the consensus splice site are a relatively common cause of aberrant splicing (PMID: 17576681, 9536098). Algorithms developed to predict the effect of sequence changes on RNA splicing suggest that this variant is not likely to affect RNA splicing. This variant has not been reported in the literature in individuals affected with VCAN-related conditions. This variant is not present in population databases (gnomAD no frequency). This sequence change falls in intron 8 of the VCAN gene. It does not directly change the encoded amino acid sequence of the VCAN protein. It affects a nucleotide within the consensus splice site. In summary, the available evidence is currently insufficient to determine the role of this variant in disease. Therefore, it has been classified as a Variant of Uncertain Significance.

Literature cited by the submitters: PubMed 17576681; PubMed 9536098.

NM_004385.5(VCAN):c.9265+3A>G

Genes: VCAN (versican; plus strand), VCAN-AS1 (VCAN antisense RNA 1; minus strand). Cytogenetic location: 5q14.3.
Variant type: single nucleotide variant.
Coding change: c.9265+3A>G on transcript NM_004385.5 (MANE Select); 3 bases into the intron after coding-DNA position 9265, A replaced by G.
Molecular consequence: intron variant.
Genome position (GRCh38, 1-based): chr5:83,542,271, A>G. VCF-style: chr5-83542271-A-G. GRCh37 (hg19) VCF-style: chr5-82838090-A-G.
Other names: c.4004-3266A>G (NM_001164098.2); c.6304+3A>G (NM_001164097.2); c.1043-3266A>G (NM_001126336.3).
Identifiers: ClinVar variation 2837464 (VCV002837464.3), dbSNP rs2479126969, ClinGen allele CA2739274910.